The following is an entry in ClinVar:

ClinVar aggregate classification (germline): Uncertain significance. Review status: criteria provided, multiple submitters, no conflicts (2 of 4 stars). 2 submissions from 2 submitters: Uncertain significance (2). Last evaluated 2025-12-10.

Conditions:
Inborn genetic diseases. Identifiers: MedGen C0950123, MeSH D030342.
Congenital disorder of glycosylation, type Iaa. Also called: Congenital disorder of glycosylation, type 1aa. Identifiers: MedGen C4310727, MONDO:0014904, OMIM 617082.

Allele frequency attached by ClinVar (database versions not stated): gnomAD exomes below 0.00001; TOPMed below 0.00001.

Submissions (2):

Ambry Genetics
Classification: Uncertain significance for Inborn genetic diseases. Last evaluated: 2025-12-10. Review status: criteria provided, single submitter. Criteria: Ambry Variant Classification Scheme 2023. Collection method: clinical testing. Allele origin: germline.

Labcorp Genetics (formerly Invitae), Labcorp
Classification: Uncertain significance for Congenital disorder of glycosylation, type Iaa. Last evaluated: 2023-01-15. Review status: criteria provided, single submitter. Criteria: Invitae Variant Classification Sherloc (09022015). Collection method: clinical testing. Allele origin: germline.
Comment: In summary, the available evidence is currently insufficient to determine the role of this variant in disease. Therefore, it has been classified as a Variant of Uncertain Significance. Algorithms developed to predict the effect of missense changes on protein structure and function are either unavailable or do not agree on the potential impact of this missense change (SIFT: "Deleterious"; PolyPhen-2: "Possibly Damaging"; Align-GVGD: "Class C15"). This variant has not been reported in the literature in individuals affected with NUS1-related conditions. This variant is not present in population databases (gnomAD no frequency). This sequence change replaces phenylalanine, which is neutral and non-polar, with cysteine, which is neutral and slightly polar, at codon 141 of the NUS1 protein (p.Phe141Cys).

NM_138459.5(NUS1):c.422T>G (p.Phe141Cys)

Gene: NUS1 (NUS1 dehydrodolichyl diphosphate synthase subunit; plus strand). Cytogenetic location: 6q22.1.
Variant type: single nucleotide variant.
Coding change: c.422T>G on transcript NM_138459.5 (MANE Select); coding-DNA position 422, T replaced by G.
Protein change: p.Phe141Cys; replaces phenylalanine 141 with cysteine.
Molecular consequence: missense variant.
Genome position (GRCh38, 1-based): chr6:117,693,048, T>G. VCF-style: chr6-117693048-T-G. GRCh37 (hg19) VCF-style: chr6-118014211-T-G.
Other names: c.422T>G (NM_138459.3); short protein forms F141C.
Identifiers: ClinVar variation 2191078 (VCV002191078.5), dbSNP rs1773263886, ClinGen allele CA365536612.